The following is an entry in ClinVar:

ClinVar aggregate classification (germline): Uncertain significance (1 of 4 stars; one submission).

Allele frequency attached by ClinVar (database versions not stated): gnomAD 0.00002; TOPMed 0.00002; gnomAD exomes 0.00001.
gnomAD v4.1: 23 of 1,462,648 alleles (0.0016%); highest among the groups gnomAD compares: Middle Eastern, 0.018%; no homozygotes.

Submissions (2):

GeneDx
Classification: Uncertain significance. Last evaluated: 2017-11-07. Review status: criteria provided, single submitter. Criteria: GeneDx Variant Classification (06012015). Collection method: clinical testing. Allele origin: germline. Affected: yes.
Comment: The c.-110-7 T>G variant has not been published as a pathogenic variant, nor has it been reported as a benign variant to our knowledge. The c.-110-7 T>G variant is not observed at a significant frequency in large population cohorts (Lek et al., 2016). In silico analyses, including splice predictors, supports a deleterious effect. However, in the absence of RNA/functional studies, the actual effect of this sequence change in this individual is unknown. Therefore, based on the currently available information, it is unclear whether this variant is a pathogenic variant or a rare benign variant.

Dr. Peter K. Rogan Lab, Western University
No classification provided (evidence only). Condition: Sarcoma. Review status: no classification provided. Collection method: in vitro. Allele origin: not applicable. Functional consequence: retained intron. Not counted in ClinVar's aggregate classification.

NM_001363118.2(SLC52A2):c.-110-7T>G

Gene: SLC52A2 (solute carrier family 52 member 2; plus strand). Cytogenetic location: 8q24.3.
Variant type: single nucleotide variant.
Coding change: c.-110-7T>G on transcript NM_001363118.2 (MANE Select); 7 bases into the intron before 110 bases upstream of the start codon, T replaced by G.
Molecular consequence: intron variant.
Genome position (GRCh38, 1-based): chr8:144,359,177, T>G. VCF-style: chr8-144359177-T-G. GRCh37 (hg19) VCF-style: chr8-145582837-T-G.
Other names: NC_000008.10:g.145582837T>G; c.-110-7T>G (NM_001253816.2, NM_001363120.2, NM_024531.5 and 1 more transcripts); c.-106-11T>G (NM_001363121.2, NM_001253815.2).
Identifiers: ClinVar variation 489081 (VCV000489081.3), dbSNP rs976384253, ClinGen allele CA187656248.